The following is an entry in ClinVar:

NM_080764.4(ZNF280B):c.1143A>C (p.Ser381=)

Genes: IGL (immunoglobulin lambda locus; plus strand), ZNF280B (zinc finger protein 280B; minus strand). Cytogenetic location: 22q11.22.
Variant type: single nucleotide variant.
Coding change: c.1143A>C on transcript NM_080764.4 (MANE Select); coding-DNA position 1143, A replaced by C.
Protein change: p.Ser381=; no amino-acid change (serine 381 retained).
Molecular consequence: synonymous variant. On other transcripts: non-coding transcript variant (1).
Genome position (GRCh38, 1-based): chr22:22,488,256, T>G on the plus strand (A>C on the coding strand, the complement: ZNF280B is on the minus strand). VCF-style: chr22-22488256-T-G. GRCh37 (hg19) VCF-style: chr22-22842581-T-G.
Identifiers: ClinVar variation 4872771 (VCV004872771.2).

ClinVar aggregate classification (germline): Likely benign (1 of 4 stars; one submission).

Submission:

CeGaT Center for Human Genetics Tuebingen
Classification: Likely benign. Last evaluated: 2026-05-01. Review status: criteria provided, single submitter. Criteria: CeGaT Center For Human Genetics Tuebingen Variant Classification Criteria Version 2. Collection method: clinical testing. Allele origin: germline. Affected: yes. Observed: 1 variant allele.
Comment: ZNF280B: PM2:Supporting, BP4, BP7